The following is an entry in ClinVar:

NM_000489.6(ATRX):c.1456A>G (p.Asn486Asp)

Gene: ATRX (ATRX chromatin remodeler; minus strand). Cytogenetic location: Xq21.1.
Variant type: single nucleotide variant.
Coding change: c.1456A>G on transcript NM_000489.6 (MANE Select); coding-DNA position 1456, A replaced by G.
Protein change: p.Asn486Asp; replaces asparagine 486 with aspartic acid.
Molecular consequence: missense variant.
Genome position (GRCh38, 1-based): chrX:77,683,800, T>C on the plus strand (A>G on the coding strand, the complement: ATRX is on the minus strand). VCF-style: chrX-77683800-T-C. GRCh37 (hg19) VCF-style: chrX-76939292-T-C.
Other names: c.1342A>G, p.Asn448Asp (NM_138270.5); c.1456A>G (NM_000489.3); short protein forms N448D, N486D.
Identifiers: ClinVar variation 2106306 (VCV002106306.5), dbSNP rs2148622110, ClinGen allele CA413717988.

ClinVar aggregate classification (germline): Uncertain significance. Review status: criteria provided, multiple submitters, no conflicts (2 of 4 stars). 2 submissions from 2 submitters: Uncertain significance (2). Last evaluated 2026-06-15.

Conditions:
Alpha thalassemia-X-linked intellectual disability syndrome (ATRX). Also called: ALPHA-THALASSEMIA/MENTAL RETARDATION SYNDROME, X-LINKED; ATR, NONDELETION TYPE; ATR-X syndrome; Alpha thalassemia mental retardation syndrome, nondeletion type, X-linked; XLMR hypotonic face syndrome; X-linked alpha-thalassemia-mental retardation syndrome. Identifiers: Orphanet 847, MedGen C1845055, MONDO:0010519, OMIM 301040.
Inborn genetic diseases. Identifiers: MedGen C0950123, MeSH D030342.

gnomAD v4.1: 1 of 1,210,461 alleles (0.000083%); no homozygotes.

Submissions (2):

Ambry Genetics
Classification: Uncertain significance for Inborn genetic diseases. Last evaluated: 2026-06-15. Review status: criteria provided, single submitter. Criteria: Ambry Variant Classification Scheme 2023. Collection method: clinical testing. Allele origin: germline.

Labcorp Genetics (formerly Invitae), Labcorp
Classification: Uncertain significance for Alpha thalassemia-X-linked intellectual disability syndrome. Last evaluated: 2023-07-20. Review status: criteria provided, single submitter. Criteria: Invitae Variant Classification Sherloc (09022015). Collection method: clinical testing. Allele origin: germline.
Comment: ClinVar contains an entry for this variant (Variation ID: 2106306). Advanced modeling of protein sequence and biophysical properties (such as structural, functional, and spatial information, amino acid conservation, physicochemical variation, residue mobility, and thermodynamic stability) performed at Invitae indicates that this missense variant is not expected to disrupt ATRX protein function. In summary, the available evidence is currently insufficient to determine the role of this variant in disease. Therefore, it has been classified as a Variant of Uncertain Significance. This variant has not been reported in the literature in individuals affected with ATRX-related conditions. This sequence change replaces asparagine, which is neutral and polar, with aspartic acid, which is acidic and polar, at codon 486 of the ATRX protein (p.Asn486Asp). This variant is not present in population databases (gnomAD no frequency).